The following is an entry in ClinVar:

ClinVar aggregate classification (germline): Likely benign (1 of 4 stars; one submission).

Conditions:
Megalencephalic leukoencephalopathy with subcortical cysts 1 (MLC1). Also called: LEUKOENCEPHALOPATHY WITH SWELLING AND CYSTS; VACUOLATING MEGALENCEPHALIC LEUKOENCEPHALOPATHY WITH SUBCORTICAL CYSTS. Identifiers: Orphanet 2478, MedGen C5779875, MONDO:0024555, OMIM 604004.

Allele frequency attached by ClinVar (database versions not stated): gnomAD exomes 0.00538; gnomAD 0.00577 and 0.00626; TOPMed 0.01263; 1000 Genomes Project 0.01697; 1000 Genomes Project 30x 0.01983.
gnomAD v4.1: 1,694 of 291,014 alleles (0.58%); highest among the groups gnomAD compares: Admixed American, 6.5%; 86 homozygotes.

Submission:

Illumina Laboratory Services, Illumina
Classification: Likely benign for Megalencephalic leukoencephalopathy with subcortical cysts 1. Last evaluated: 2017-04-27. Review status: criteria provided, single submitter. Criteria: ICSL Variant Classification Criteria 13 December 2019. Collection method: clinical testing. Allele origin: germline.
Comment: This variant was observed as part of a predisposition screen in an ostensibly healthy population. A literature search was performed for the gene, cDNA change, and amino acid change (where applicable). No publications were found based on this search. Allele frequency data from public databases allowed determination this variant is unlikely to cause disease. Therefore, this variant is classified as likely benign.

NM_015166.4(MLC1):c.*414C>T

Gene: MLC1 (modulator of VRAC current 1; minus strand). Cytogenetic location: 22q13.33.
Variant type: single nucleotide variant.
Coding change: c.*414C>T on transcript NM_015166.4 (MANE Select); 414 bases downstream of the stop codon, C replaced by T.
Molecular consequence: 3 prime UTR variant. On other transcripts: intron variant (2).
Genome position (GRCh38, 1-based): chr22:50,061,169, G>A on the plus strand (C>T on the coding strand, the complement: MLC1 is on the minus strand). VCF-style: chr22-50061169-G-A. GRCh37 (hg19) VCF-style: chr22-50499598-G-A.
Other names: c.*414C>T (NM_001376472.1, NM_001376473.1, NM_001376474.1 and 9 more transcripts); c.*45+369C>T (NM_001376478.1, NM_001376477.1).
Identifiers: ClinVar variation 342099 (VCV000342099.5), dbSNP rs12484303, ClinGen allele CA10653653.